The following is an entry in ClinVar:

ClinVar aggregate classification (germline): Uncertain significance (1 of 4 stars; one submission).

Submission:

CeGaT Center for Human Genetics Tuebingen
Classification: Uncertain significance. Last evaluated: 2026-04-01. Review status: criteria provided, single submitter. Criteria: CeGaT Center For Human Genetics Tuebingen Variant Classification Criteria Version 2. Collection method: clinical testing. Allele origin: germline. Affected: yes. Observed: 1 variant allele.
Comment: MYH11: PM2

NM_002474.3(MYH11):c.3597G>C (p.Gln1199His)

Gene: MYH11 (myosin heavy chain 11; minus strand). Cytogenetic location: 16p13.11.
Variant type: single nucleotide variant.
Coding change: c.3597G>C on transcript NM_002474.3 (MANE Select); coding-DNA position 3597, G replaced by C.
Protein change: p.Gln1199His; replaces glutamine 1199 with histidine.
Molecular consequence: missense variant.
Genome position (GRCh38, 1-based): chr16:15,732,618, C>G on the plus strand (G>C on the coding strand, the complement: MYH11 is on the minus strand). VCF-style: chr16-15732618-C-G. GRCh37 (hg19) VCF-style: chr16-15826475-C-G.
Other names: c.3618G>C, p.Gln1206His (NM_001040113.2, NM_001040114.2); c.3597G>C, p.Gln1199His (NM_022844.3); short protein forms Q1206H, Q1199H.
Identifiers: ClinVar variation 624098 (VCV000624098.43), dbSNP rs1567710211, ClinGen allele CA394861083.
Genomic context (GRCh38, chr16:15,732,618, plus strand): 5'-CATTACCCTCTTGAACTGCTCAAGCTGCTCTGTGAGCTCCTCCACCGCCTGTGCGTGTTT[C>G]TGCCTCATCTCCTGGACCTGAGCCTCATGGGACCGCGTCTCTTCATCCAGGGCCTTCTTC-3'
Protein context (NP_002465.1, residues 1189-1209): SHEAQVQEMR[Gln1199His]KHAQAVEELT